The following is an entry in ClinVar:

NM_000482.4(APOA4):c.451G>A (p.Glu151Lys)

Gene: APOA4 (apolipoprotein A4; minus strand). Cytogenetic location: 11q23.3.
Variant type: single nucleotide variant.
Coding change: c.451G>A on transcript NM_000482.4 (MANE Select); coding-DNA position 451, G replaced by A.
Protein change: p.Glu151Lys; replaces glutamic acid 151 with lysine.
Molecular consequence: missense variant.
Genome position (GRCh38, 1-based): chr11:116,821,607, C>T on the plus strand (G>A on the coding strand, the complement: APOA4 is on the minus strand). VCF-style: chr11-116821607-C-T. GRCh37 (hg19) VCF-style: chr11-116692323-C-T.
Other names: short protein forms E151K.
Identifiers: ClinVar variation 2960761 (VCV002960761.3), dbSNP rs768855419, ClinGen allele CA6289423.

ClinVar aggregate classification (germline): Uncertain significance (1 of 4 stars; one submission).

Allele frequency attached by ClinVar (database versions not stated): TOPMed below 0.00001; ExAC 0.00002; gnomAD exomes 0.00001.

Submission:

Labcorp Genetics (formerly Invitae), Labcorp
Classification: Uncertain significance. Last evaluated: 2025-07-25. Review status: criteria provided, single submitter. Criteria: Invitae Variant Classification Sherloc (09022015). Collection method: clinical testing. Allele origin: germline.
Comment: This sequence change replaces glutamic acid, which is acidic and polar, with lysine, which is basic and polar, at codon 151 of the APOA4 protein (p.Glu151Lys). This variant is present in population databases (rs768855419, gnomAD 0.007%). This missense change has been observed in individual(s) with clinical features of APOA4-related conditions (PMID: 36325899). ClinVar contains an entry for this variant (Variation ID: 2960761). Invitae Evidence Modeling of protein sequence and biophysical properties (such as structural, functional, and spatial information, amino acid conservation, physicochemical variation, residue mobility, and thermodynamic stability) has been performed for this missense variant. However, the output from this modeling did not meet the statistical confidence thresholds required to predict the impact of this variant on APOA4 protein function. In summary, the available evidence is currently insufficient to determine the role of this variant in disease. Therefore, it has been classified as a Variant of Uncertain Significance.

Literature cited by the submitters: PubMed 36325899.